The following is an entry in ClinVar:

ClinVar aggregate classification (germline): Uncertain significance. Review status: criteria provided, multiple submitters, no conflicts (2 of 4 stars). 3 submissions from 3 submitters: Uncertain significance (3). Last evaluated 2025-12-23.

Conditions:
Inborn genetic diseases. Identifiers: MedGen C0950123, MeSH D030342.
Van Maldergem syndrome 1 (VMLDS1). Also called: Van Maldergem syndrome 1 (VMLDS1). Identifiers: Orphanet 314679, MedGen C4551950, MONDO:0011070, OMIM 601390.

Allele frequency attached by ClinVar (database versions not stated): gnomAD exomes below 0.00001; ExAC 0.00002.
gnomAD v4.1: 1 of 1,597,356 alleles (0.000063%); highest among the groups gnomAD compares: Non-Finnish European, 0.000085%; no homozygotes.

Submissions (3):

Labcorp Genetics (formerly Invitae), Labcorp
Classification: Uncertain significance. Last evaluated: 2025-12-23. Review status: criteria provided, single submitter. Criteria: Invitae Variant Classification Sherloc (09022015). Collection method: clinical testing. Allele origin: germline.
Comment: This sequence change replaces tyrosine, which is neutral and polar, with histidine, which is basic and polar, at codon 2775 of the DCHS1 protein (p.Tyr2775His). The frequency data for this variant in the population databases is considered unreliable, as metrics indicate poor data quality at this position in the gnomAD database. This variant has not been reported in the literature in individuals affected with DCHS1-related conditions. ClinVar contains an entry for this variant (Variation ID: 2368920). Invitae Evidence Modeling of protein sequence and biophysical properties (such as structural, functional, and spatial information, amino acid conservation, physicochemical variation, residue mobility, and thermodynamic stability) indicates that this missense variant is not expected to disrupt DCHS1 protein function with a negative predictive value of 80%. In summary, the available evidence is currently insufficient to determine the role of this variant in disease. Therefore, it has been classified as a Variant of Uncertain Significance.

Clinical Genomics Laboratory, Washington University in St. Louis
Classification: Uncertain significance for Van Maldergem syndrome 1. Last evaluated: 2024-10-15. Review status: criteria provided, single submitter. Criteria: ACMG Guidelines, 2015. Collection method: clinical testing. Allele origin: germline.
Comment: A DCHS1 c.8323T>C (p.Tyr2775His) variant was identified at a heterozygous allelic fraction of 49.47%, a frequency that may be consistent with germline origin. To our knowledge, this variant has not been reported in the medical literature. It is only observed on 1/1,597,356 alleles in the general population (gnomAD v.4.1.0), indicating it is not a common variant. The DCHS1 c.8323T>C (p.Tyr2775His) variant has been reported in the ClinVar database as a germline variant of uncertain significance by one submitter (ClinVar Variation ID: 2368920). Computational predictors are uncertain as to the impact of this variant on the DCHS1 function. Due to limited information and based on ACMG/AMP guidelines for variant interpretation (Richards S et al., PMID: 25741868), the clinical significance of this variant is uncertain at this time.

Ambry Genetics
Classification: Uncertain significance for Inborn genetic diseases. Last evaluated: 2022-05-11. Review status: criteria provided, single submitter. Criteria: Ambry Variant Classification Scheme 2023. Collection method: clinical testing. Allele origin: germline.

NM_003737.4(DCHS1):c.8323T>C (p.Tyr2775His)

Gene: DCHS1 (dachsous cadherin-related 1; minus strand). Cytogenetic location: 11p15.4.
Variant type: single nucleotide variant.
Coding change: c.8323T>C on transcript NM_003737.4 (MANE Select); coding-DNA position 8323, T replaced by C.
Protein change: p.Tyr2775His; replaces tyrosine 2775 with histidine.
Molecular consequence: missense variant.
Genome position (GRCh38, 1-based): chr11:6,623,353, A>G on the plus strand (T>C on the coding strand, the complement: DCHS1 is on the minus strand). VCF-style: chr11-6623353-A-G. GRCh37 (hg19) VCF-style: chr11-6644584-A-G.
Other names: short protein forms Y2775H.
Identifiers: ClinVar variation 2368920 (VCV002368920.5), dbSNP rs755314374, ClinGen allele CA5859441.